The following is an entry in ClinVar:

ClinVar aggregate classification (germline): Uncertain significance (1 of 4 stars; one submission).

Conditions:
Familial focal epilepsy with variable foci (FPEVF). Identifiers: Orphanet 98820, MedGen C1858477, MONDO:0020310.

Submission:

Labcorp Genetics (formerly Invitae), Labcorp
Classification: Uncertain significance for Familial focal epilepsy with variable foci. Last evaluated: 2022-10-30. Review status: criteria provided, single submitter. Criteria: Invitae Variant Classification Sherloc (09022015). Collection method: clinical testing. Allele origin: germline.
Comment: This variant results in a copy number gain of the genomic region encompassing exon(s) 2-3 of the DEPDC5 gene. This region includes the initiator codon of the gene. This copy number gain extends beyond the assayed region for this gene and therefore may encompass additional genes. As the precise location of this event is unknown, it may be in tandem or it may be located elsewhere in the genome. This variant has not been reported in the literature in individuals affected with DEPDC5-related conditions. In summary, the available evidence is currently insufficient to determine the role of this variant in disease. Therefore, it has been classified as a Variant of Uncertain Significance.

NC_000022.10:g.(?_32150908)_(32154639_?)dup

Gene: DEPDC5 (DEP domain containing 5, GATOR1 subcomplex subunit; plus strand). Cytogenetic location: 22q12.2.
Variant type: Duplication.
Identifiers: ClinVar variation 2424007 (VCV002424007.3).